The following is an entry in ClinVar:

NM_014714.4(IFT140):c.2067G>A (p.Ala689=)

Gene: IFT140 (intraflagellar transport 140; minus strand). Cytogenetic location: 16p13.3.
Variant type: single nucleotide variant.
Coding change: c.2067G>A on transcript NM_014714.4 (MANE Select); coding-DNA position 2067, G replaced by A.
Protein change: p.Ala689=; no amino-acid change (alanine 689 retained).
Molecular consequence: synonymous variant.
Genome position (GRCh38, 1-based): chr16:1,563,997, C>T on the plus strand (G>A on the coding strand, the complement: IFT140 is on the minus strand). VCF-style: chr16-1563997-C-T. GRCh37 (hg19) VCF-style: chr16-1613998-C-T.
Identifiers: ClinVar variation 848859 (VCV000848859.14), dbSNP rs143537808, ClinGen allele CA7814031.

ClinVar aggregate classification (germline): Conflicting classifications of pathogenicity. Review status: criteria provided, conflicting classifications (1 of 4 stars). 5 submissions from 5 submitters: Uncertain significance (4); Likely benign (1). Last evaluated 2026-01-18.

Conditions:
Saldino-Mainzer syndrome (SRTD9). Also called: short-rib thoracic dysplasia 9 with or without polydactyly; Renal dysplasia, retinal pigmentary dystrophy, cerebellar ataxia and skeletal dysplasia; CONORENAL SYNDROME; SHORT-RIB THORACIC DYSPLASIA 9 WITHOUT POLYDACTYLY. Identifiers: Orphanet 140969, MedGen C1849437, MONDO:0009964, OMIM 266920.
IFT140-related disorder. Also called: IFT140-related condition.
Retinitis pigmentosa 80 (RP80). Identifiers: MedGen C4540439, MONDO:0054708, OMIM 617781.

Allele frequency attached by ClinVar (database versions not stated): gnomAD exomes 0.00011 and 0.00022; ESP Exome Variant Server 0.00015; ExAC 0.00016; gnomAD 0.00022 and 0.00043; TOPMed 0.00063.
gnomAD v4.1: 240 of 1,573,560 alleles (0.015%); highest among the groups gnomAD compares: Admixed American, 0.057%; no homozygotes.

Submissions (7):

Labcorp Genetics (formerly Invitae), Labcorp
Classification: Uncertain significance for Saldino-Mainzer syndrome. Last evaluated: 2026-01-18. Review status: criteria provided, single submitter. Criteria: Invitae Variant Classification Sherloc (09022015). Collection method: clinical testing. Allele origin: germline.
Comment: This sequence change affects codon 689 of the IFT140 mRNA. It is a 'silent' change, meaning that it does not change the encoded amino acid sequence of the IFT140 protein. This variant also falls at the last nucleotide of exon 17, which is part of the consensus splice site for this exon. This variant is present in population databases (rs143537808, gnomAD 0.2%). This variant has not been reported in the literature in individuals affected with IFT140-related conditions. ClinVar contains an entry for this variant (Variation ID: 848859). Variants that disrupt the consensus splice site are a relatively common cause of aberrant splicing (PMID: 17576681, 9536098). Algorithms developed to predict the effect of sequence changes on RNA splicing suggest that this variant may disrupt the consensus splice site. In summary, the available evidence is currently insufficient to determine the role of this variant in disease. Therefore, it has been classified as a Variant of Uncertain Significance.

PreventionGenetics, part of Exact Sciences
Classification: Likely benign for IFT140-related condition. Last evaluated: 2024-11-22. Review status: criteria provided, single submitter. Criteria: ACMG Guidelines, 2015. Collection method: clinical testing. Allele origin: germline.
Comment: This variant is classified as likely benign based on ACMG/AMP sequence variant interpretation guidelines (Richards et al. 2015 PMID: 25741868, with internal and published modifications).

Blueprint Genetics
Classification: Uncertain significance. Last evaluated: 2024-11-07. Review status: criteria provided, single submitter. Criteria: ACMG Guidelines, 2015. Collection method: clinical testing. Allele origin: germline.

Fulgent Genetics
Classification: Uncertain significance for Saldino-Mainzer syndrome; Retinitis pigmentosa 80. Last evaluated: 2024-06-10. Review status: criteria provided, single submitter. Criteria: ACMG Guidelines, 2015. Collection method: clinical testing. Allele origin: germline.

Illumina Laboratory Services, Illumina
Classification: Uncertain significance for Saldino-Mainzer syndrome. Last evaluated: 2018-01-13. Review status: criteria provided, single submitter. Criteria: ICSL Variant Classification Criteria 13 December 2019. Collection method: clinical testing. Allele origin: germline.

Dr. Peter K. Rogan Lab, Western University
No classification provided (evidence only). Condition: Malignant tumor of urinary bladder. Review status: no classification provided. Collection method: in vitro. Allele origin: not applicable. Functional consequence: retained intron. Not counted in ClinVar's aggregate classification.

Dr. Peter K. Rogan Lab, Western University
No classification provided (evidence only). Condition: Familial cancer of breast. Review status: no classification provided. Collection method: in vitro. Allele origin: not applicable. Functional consequence: retained intron. Not counted in ClinVar's aggregate classification.

Literature cited by the submitters: PubMed 17576681 (cited by Labcorp Genetics (formerly Invitae), Labcorp); PubMed 9536098 (cited by Labcorp Genetics (formerly Invitae), Labcorp).